The following is an entry in ClinVar:

NM_005055.5(RAPSN):c.1148C>G (p.Ser383Cys)

Gene: RAPSN (receptor associated protein of the synapse; minus strand). Cytogenetic location: 11p11.2.
Variant type: single nucleotide variant.
Coding change: c.1148C>G on transcript NM_005055.5 (MANE Select); coding-DNA position 1148, C replaced by G.
Protein change: p.Ser383Cys; replaces serine 383 with cysteine.
Molecular consequence: missense variant.
Genome position (GRCh38, 1-based): chr11:47,438,750, G>C on the plus strand (C>G on the coding strand, the complement: RAPSN is on the minus strand). VCF-style: chr11-47438750-G-C. GRCh37 (hg19) VCF-style: chr11-47460301-G-C.
Other names: c.971C>G, p.Ser324Cys (NM_032645.5); short protein forms S324C, S383C.
Identifiers: ClinVar variation 661876 (VCV000661876.9), dbSNP rs1197895855, ClinGen allele CA380327155.
Genomic context (GRCh38, chr11:47,438,750, plus strand): 5'-GAGATCCTGCCCACCCCTGTCCACCCCCCCAGGAGCCCCCACCTGAGGTGGAAGATGTGG[G>C]AGCAAGGTAGGGCCTGCAGCCGGCTGTTCTTCTCGCCTATGGACTCGCCGCACAGGCCGC-3'
Protein context (NP_005046.2, residues 373-393): KNSRLQALPC[Ser383Cys]HIFHLRCLQN

ClinVar aggregate classification (germline): Uncertain significance (1 of 4 stars; one submission).

Conditions:
Congenital myasthenic syndrome 11. Also called: Myasthenic syndrome, congenital, 11, associated with acetylcholine receptor deficiency; MYASTHENIC SYNDROME, CONGENITAL, Ie. Identifiers: Orphanet 590, MedGen C4225367, MONDO:0014588, OMIM 616326.
Fetal akinesia deformation sequence 1 (FADS1). Also called: Pena-Shokeir syndrome type I; Fetal akinesia sequence. Identifiers: Orphanet 994, MedGen C1276035, MONDO:0100101, OMIM 208150, HP:0001989.

Allele frequency attached by ClinVar (database versions not stated): TOPMed 0.00001.

Submission:

Labcorp Genetics (formerly Invitae), Labcorp
Classification: Uncertain significance for Congenital myasthenic syndrome 11; Fetal akinesia deformation sequence 1. Last evaluated: 2018-08-21. Review status: criteria provided, single submitter. Criteria: Invitae Variant Classification Sherloc (09022015). Collection method: clinical testing. Allele origin: germline.
Comment: Algorithms developed to predict the effect of missense changes on protein structure and function are either unavailable or do not agree on the potential impact of this missense change (SIFT: "Deleterious"; PolyPhen-2: "Possibly Damaging"; Align-GVGD: "Class C0"). This variant is not present in population databases (ExAC no frequency). This variant has not been reported in the literature in individuals with RAPSN-related disease. In summary, the available evidence is currently insufficient to determine the role of this variant in disease. Therefore, it has been classified as a Variant of Uncertain Significance. This sequence change replaces serine with cysteine at codon 383 of the RAPSN protein (p.Ser383Cys). The serine residue is highly conserved and there is a moderate physicochemical difference between serine and cysteine.